The following is an entry in ClinVar:

ClinVar aggregate classification (germline): Benign/Likely benign. Review status: criteria provided, multiple submitters, no conflicts (2 of 4 stars). 2 submissions from 2 submitters: Benign (1); Likely benign (1). Last evaluated 2025-01-30.

Conditions:
Lynch syndrome 4 (LYNCH4). Also called: Colorectal cancer, hereditary nonpolyposis, type 4; Hereditary non-polyposis colorectal cancer, type 4. Identifiers: Orphanet 144, MedGen C1838333, MONDO:0013699, OMIM 614337. Disease mechanism: loss of function.
Hereditary nonpolyposis colorectal neoplasms. Identifiers: MedGen C0009405, MeSH D003123.

gnomAD v4.1: 1 of 1,614,024 alleles (0.000062%); highest among the groups gnomAD compares: South Asian, 0.0011%; no homozygotes.

Submissions (2):

Myriad Genetics, Inc.
Classification: Benign for Lynch syndrome 4. Last evaluated: 2025-01-30. Review status: criteria provided, single submitter. Criteria: Myriad Autosomal Dominant, Autosomal Recessive and X-Linked Classification Criteria (2023). Collection method: clinical testing. Allele origin: unknown.
Comment: This variant is considered benign. This variant is a silent/synonymous amino acid change and it is not expected to impact splicing.

Labcorp Genetics (formerly Invitae), Labcorp
Classification: Likely benign for Hereditary nonpolyposis colorectal neoplasms. Last evaluated: 2021-12-13. Review status: criteria provided, single submitter. Criteria: Invitae Variant Classification Sherloc (09022015). Collection method: clinical testing. Allele origin: germline.

NM_000535.7(PMS2):c.1224T>G (p.Thr408=)

Gene: PMS2 (PMS1 homolog 2, mismatch repair system component; minus strand). Cytogenetic location: 7p22.1.
Variant type: single nucleotide variant.
Coding change: c.1224T>G on transcript NM_000535.7 (MANE Select); coding-DNA position 1224, T replaced by G.
Protein change: p.Thr408=; no amino-acid change (threonine 408 retained).
Molecular consequence: synonymous variant. On other transcripts: non-coding transcript variant (1), intron variant (1).
Genome position (GRCh38, 1-based): chr7:5,987,541, A>C on the plus strand (T>G on the coding strand, the complement: PMS2 is on the minus strand). VCF-style: chr7-5987541-A-C. GRCh37 (hg19) VCF-style: chr7-6027172-A-C.
Other names: c.819T>G, p.Thr273= (NM_001018040.1, NM_001322003.2, NM_001322004.2 and 17 more transcripts); c.1068T>G, p.Thr356= (NM_001322006.2, NM_001406870.1); c.906T>G, p.Thr302= (NM_001322007.2, NM_001322008.2, NM_001406876.1 and 2 more transcripts); c.663T>G, p.Thr221= (NM_001322010.2, NM_001406906.1, NM_001406907.1); c.291T>G, p.Thr97= (NM_001322011.2, NM_001322012.2); c.651T>G, p.Thr217= (NM_001322013.2, NM_001406909.1); c.1224T>G, p.Thr408= (NM_001322014.2, NM_001406871.1, NM_001406872.1); c.915T>G, p.Thr305= (NM_001322015.2, NM_001406875.1, NM_001406877.1 and 5 more transcripts); and 13 more.
Identifiers: ClinVar variation 2041218 (VCV002041218.5), dbSNP rs1554298007, ClinGen allele CA453748458.